The following is an entry in ClinVar:

NM_004006.3(DMD):c.1992+195A>T

Gene: DMD (dystrophin; minus strand). Cytogenetic location: Xp21.1.
Variant type: single nucleotide variant.
Coding change: c.1992+195A>T on transcript NM_004006.3 (MANE Select); 195 bases into the intron after coding-DNA position 1992, A replaced by T.
Molecular consequence: intron variant.
Genome position (GRCh38, 1-based): chrX:32,565,507, T>A on the plus strand (A>T on the coding strand, the complement: DMD is on the minus strand). VCF-style: chrX-32565507-T-A. GRCh37 (hg19) VCF-style: chrX-32583624-T-A.
Other names: c.1968+195A>T (NM_000109.4); c.1980+195A>T (NM_004009.3); c.1623+195A>T (NM_004010.3).
Identifiers: ClinVar variation 671409 (VCV000671409.2), dbSNP rs6653877, ClinGen allele CA328035526.

ClinVar aggregate classification (germline): Benign. Review status: criteria provided, multiple submitters, no conflicts (2 of 4 stars). 2 submissions from 2 submitters: Benign (2). Last evaluated 2018-06-14.

Allele frequency attached by ClinVar (database versions not stated): gnomAD 0.04992 and 0.05025; 1000 Genomes Project 0.05457; TOPMed 0.05500; 1000 Genomes Project 30x 0.05931.
gnomAD v4.1: 5,518 of 111,126 alleles (5%); highest among the groups gnomAD compares: African/African-American, 8.6%; 146 homozygotes.

Submissions (2):

GeneDx
Classification: Benign. Last evaluated: 2018-06-14. Review status: criteria provided, single submitter. Criteria: GeneDx Variant Classification (06012015). Collection method: clinical testing. Allele origin: germline. Affected: yes.
Comment: This variant is considered likely benign or benign based on one or more of the following criteria: it is a conservative change, it occurs at a poorly conserved position in the protein, it is predicted to be benign by multiple in silico algorithms, and/or has population frequency not consistent with disease.

Breakthrough Genomics
Classification: Benign. Review status: criteria provided, single submitter. Criteria: ACMG Guidelines, 2015. Collection method: not provided. Allele origin: germline. Inheritance: X-linked inheritance. Affected: yes.